The following is an entry in ClinVar:

ClinVar aggregate classification (germline): Pathogenic (1 of 4 stars; one submission).

Conditions:
Neonatal encephalomyopathy-cardiomyopathy-respiratory distress syndrome. Also called: Coenzyme Q10 deficiency, primary, 7. Identifiers: Orphanet 457185, MedGen C5568562, MONDO:0014562, OMIM 616276.

Submission:

Labcorp Genetics (formerly Invitae), Labcorp
Classification: Pathogenic for Neonatal encephalomyopathy-cardiomyopathy-respiratory distress syndrome. Last evaluated: 2025-10-27. Review status: criteria provided, single submitter. Criteria: Invitae Variant Classification Sherloc (09022015). Collection method: clinical testing. Allele origin: germline.
Comment: This sequence change creates a premature translational stop signal (p.Arg129Profs*21) in the COQ4 gene. It is expected to result in an absent or disrupted protein product. Loss-of-function variants in COQ4 are known to be pathogenic (PMID: 25658047). This variant is present in population databases (no rsID available, gnomAD 0.006%). This variant has not been reported in the literature in individuals affected with COQ4-related conditions. ClinVar contains an entry for this variant (Variation ID: 1368452). For these reasons, this variant has been classified as Pathogenic.

Literature cited by the submitters: PubMed 25658047.

NM_016035.5(COQ4):c.385dup (p.Arg129fs)

Gene: COQ4 (coenzyme Q4; plus strand). Cytogenetic location: 9q34.11.
Variant type: Duplication.
Coding change: c.385dup on transcript NM_016035.5 (MANE Select); coding-DNA position 385, one base duplicated (C; older notation c.385dupC).
Protein change: p.Arg129fs; shifts the reading frame from arginine 129.
Molecular consequence: frameshift variant.
Genome position (GRCh38, 1-based): chr9:128,325,864, C duplicated; the last of 2 consecutive C bases (chr9:128,325,863-128,325,864); duplicating either gives the same sequence. VCF-style (leftmost placement, unchanged base first): chr9-128325862-T-TC. GRCh37 (hg19) VCF-style: chr9-131088141-T-TC.
Other names: c.288dup, p.Val97fs (NM_001305942.2); short protein forms R129fs, V97fs.
Identifiers: ClinVar variation 1368452 (VCV001368452.6), dbSNP rs1440543613, ClinGen allele CA590624604.